The following is an entry in ClinVar:

ClinVar aggregate classification (germline): Uncertain significance (1 of 4 stars; one submission).

gnomAD v4.1: 4 of 1,614,168 alleles (0.00025%); highest among the groups gnomAD compares: Middle Eastern, 0.016%; no homozygotes.

Submission:

Labcorp Genetics (formerly Invitae), Labcorp
Classification: Uncertain significance. Last evaluated: 2025-08-14. Review status: criteria provided, single submitter. Criteria: Invitae Variant Classification Sherloc (09022015). Collection method: clinical testing. Allele origin: germline.
Comment: This sequence change replaces valine, which is neutral and non-polar, with leucine, which is neutral and non-polar, at codon 257 of the DDR2 protein (p.Val257Leu). This variant is not present in population databases (gnomAD no frequency). This variant has not been reported in the literature in individuals affected with DDR2-related conditions. An algorithm developed to predict the effect of missense changes on protein structure and function (PolyPhen-2) suggests that this variant is likely to be tolerated. In summary, the available evidence is currently insufficient to determine the role of this variant in disease. Therefore, it has been classified as a Variant of Uncertain Significance.

NM_006182.4(DDR2):c.769G>T (p.Val257Leu)

Gene: DDR2 (discoidin domain receptor tyrosine kinase 2; plus strand). Cytogenetic location: 1q23.3.
Variant type: single nucleotide variant.
Coding change: c.769G>T on transcript NM_006182.4 (MANE Select); coding-DNA position 769, G replaced by T.
Protein change: p.Val257Leu; replaces valine 257 with leucine.
Molecular consequence: missense variant.
Genome position (GRCh38, 1-based): chr1:162,759,893, G>T. VCF-style: chr1-162759893-G-T. GRCh37 (hg19) VCF-style: chr1-162729683-G-T.
Other names: c.769G>T, p.Val257Leu (NM_001014796.3, NM_001354982.2, NM_001354983.2); short protein forms V257L.
Identifiers: ClinVar variation 4701808 (VCV004701808.1).